The following is an entry in ClinVar:

ClinVar aggregate classification (germline): Uncertain significance (1 of 4 stars; one submission).

Conditions:
Congenital myasthenic syndrome 8. Also called: MYASTHENIC SYNDROME, CONGENITAL, DUE TO AGRIN DEFICIENCY; Myasthenic syndrome, congenital, 8, with pre- and postsynaptic defects. Identifiers: Orphanet 590, MedGen C3808739, MONDO:0014052, OMIM 615120.

Allele frequency attached by ClinVar (database versions not stated): TOPMed below 0.00001; gnomAD exomes 0.00001; ExAC 0.00010.
gnomAD v4.1: 8 of 1,490,814 alleles (0.00054%); highest among the groups gnomAD compares: Non-Finnish European, 0.00062%; no homozygotes.

Submission:

Labcorp Genetics (formerly Invitae), Labcorp
Classification: Uncertain significance for Congenital myasthenic syndrome 8. Last evaluated: 2022-07-26. Review status: criteria provided, single submitter. Criteria: Invitae Variant Classification Sherloc (09022015). Collection method: clinical testing. Allele origin: germline.
Comment: This variant is not present in population databases (gnomAD no frequency). In summary, the available evidence is currently insufficient to determine the role of this variant in disease. Therefore, it has been classified as a Variant of Uncertain Significance. Algorithms developed to predict the effect of missense changes on protein structure and function are either unavailable or do not agree on the potential impact of this missense change (SIFT: "Deleterious"; PolyPhen-2: "Benign"; Align-GVGD: "Class C0"). ClinVar contains an entry for this variant (Variation ID: 1040264). This variant has not been reported in the literature in individuals affected with AGRN-related conditions. This sequence change replaces threonine, which is neutral and polar, with alanine, which is neutral and non-polar, at codon 267 of the AGRN protein (p.Thr267Ala).

NM_198576.4(AGRN):c.799A>G (p.Thr267Ala)

Gene: AGRN (agrin; plus strand). Cytogenetic location: 1p36.33.
Variant type: single nucleotide variant.
Coding change: c.799A>G on transcript NM_198576.4 (MANE Select); coding-DNA position 799, A replaced by G.
Protein change: p.Thr267Ala; replaces threonine 267 with alanine.
Molecular consequence: missense variant.
Genome position (GRCh38, 1-based): chr1:1,041,244, A>G. VCF-style: chr1-1041244-A-G. GRCh37 (hg19) VCF-style: chr1-976624-A-G.
Other names: c.799A>G, p.Thr267Ala (NM_001305275.2); c.484A>G, p.Thr162Ala (NM_001364727.2); short protein forms T162A, T267A.
Identifiers: ClinVar variation 1040264 (VCV001040264.6), dbSNP rs758948924, ClinGen allele CA507919.